The following is an entry in ClinVar:

NM_004260.4(RECQL4):c.2420G>C (p.Arg807Pro)

Gene: RECQL4 (RecQ like helicase 4; minus strand). Cytogenetic location: 8q24.3.
Variant type: single nucleotide variant.
Coding change: c.2420G>C on transcript NM_004260.4 (MANE Select); coding-DNA position 2420, G replaced by C.
Protein change: p.Arg807Pro; replaces arginine 807 with proline.
Molecular consequence: missense variant.
Genome position (GRCh38, 1-based): chr8:144,513,261, C>G on the plus strand (G>C on the coding strand, the complement: RECQL4 is on the minus strand). VCF-style: chr8-144513261-C-G. GRCh37 (hg19) VCF-style: chr8-145738644-C-G.
Other names: short protein forms R807P.
Identifiers: ClinVar variation 855663 (VCV000855663.5), dbSNP rs571684398, ClinGen allele CA372678111.

ClinVar aggregate classification (germline): Uncertain significance (1 of 4 stars; one submission).

Conditions:
Baller-Gerold syndrome (BGS). Also called: CRANIOSYNOSTOSIS WITH RADIAL DEFECTS. Identifiers: Orphanet 1225, MedGen C0265308, MONDO:0009039, OMIM 218600.

Submission:

Labcorp Genetics (formerly Invitae), Labcorp
Classification: Uncertain significance for Baller-Gerold syndrome. Last evaluated: 2019-02-05. Review status: criteria provided, single submitter. Criteria: Invitae Variant Classification Sherloc (09022015). Collection method: clinical testing. Allele origin: germline.
Comment: In summary, the available evidence is currently insufficient to determine the role of this variant in disease. Therefore, it has been classified as a Variant of Uncertain Significance. Algorithms developed to predict the effect of missense changes on protein structure and function (SIFT, PolyPhen-2, Align-GVGD) all suggest that this variant is likely to be disruptive, but these predictions have not been confirmed by published functional studies and their clinical significance is uncertain. This variant has not been reported in the literature in individuals with RECQL4-related conditions. This variant is not present in population databases (ExAC no frequency). This sequence change replaces arginine with proline at codon 807 of the RECQL4 protein (p.Arg807Pro). The arginine residue is highly conserved and there is a moderate physicochemical difference between arginine and proline.